The following is an entry in ClinVar:

NM_000460.4(THPO):c.113G>A (p.Arg38His)

Gene: THPO (thrombopoietin; minus strand). Cytogenetic location: 3q27.1.
Variant type: single nucleotide variant.
Coding change: c.113G>A on transcript NM_000460.4 (MANE Select); coding-DNA position 113, G replaced by A.
Protein change: p.Arg38His; replaces arginine 38 with histidine.
Molecular consequence: missense variant.
Genome position (GRCh38, 1-based): chr3:184,375,916, C>T on the plus strand (G>A on the coding strand, the complement: THPO is on the minus strand). VCF-style: chr3-184375916-C-T. GRCh37 (hg19) VCF-style: chr3-184093704-C-T.
Other names: c.113G>A, p.Arg38His (NM_001177597.2, NM_001177598.2, NM_001289997.1 and 5 more transcripts); c.533G>A, p.Arg178His (NM_001290003.1); short protein forms R178H, R38H.
Identifiers: ClinVar variation 4993224 (VCV004993224.1).
Genomic context (GRCh38, chr3:184,375,916, plus strand): 5'-CGGATAAAGGGGATAATGTTGGGAGTTCTCACCAGTCTGCTGTGAAGGACATGGGAGTCA[C>T]GAAGCAGTTTACTGAGGACTCGGAGGTCACAAGCAGGAGGAGCCGGGCTGGACAGCGTTA-3'
Protein context (NP_000451.1, residues 28-48): CDLRVLSKLL[Arg38His]DSHVLHSRLS

ClinVar aggregate classification (germline): Uncertain significance (1 of 4 stars; one submission).

Conditions:
THPO-related disorder. Also called: THPO-related condition.

gnomAD v4.1: 39 of 1,613,236 alleles (0.0024%); highest among the groups gnomAD compares: South Asian, 0.0033%; 1 homozygote.

Submission:

PreventionGenetics, part of Exact Sciences
Classification: Uncertain significance for THPO-related condition. Last evaluated: 2026-01-28. Review status: criteria provided, single submitter. Criteria: ACMG Guidelines, 2015. Collection method: clinical testing. Allele origin: germline.
Comment: The THPO c.113G>A variant is predicted to result in the amino acid substitution p.Arg38His. To our knowledge, this variant has not been reported in the literature. However, an alternate missense substitution at the same amino acid position has been reported in the homozygous state in two siblings with aplastic anemia and in the heterozygous state in family members with thrombocytopenia (Reported as p.Arg17Cys, Dasouki et al. 2013. PubMed ID: 24085763). Functional studies indicate that the p.Arg38Cys variant impacts protein function (Pecci et al. 2018. PubMed ID: 29191945). This variant is reported in 0.0099% of alleles in individuals of Ashkenazi Jewish descent in gnomAD. Although we suspect that the c.113G>A variant may be pathogenic, at this time, the clinical significance of this variant is uncertain due to the absence of conclusive functional and genetic evidence.